The following is an entry in ClinVar:

NM_000051.4(ATM):c.7084G>C (p.Glu2362Gln)

Genes: ATM (ATM serine/threonine kinase; plus strand), C11orf65 (chromosome 11 open reading frame 65; minus strand). Cytogenetic location: 11q22.3.
Variant type: single nucleotide variant.
Coding change: c.7084G>C on transcript NM_000051.4 (MANE Select); coding-DNA position 7084, G replaced by C.
Protein change: p.Glu2362Gln; replaces glutamic acid 2362 with glutamine.
Molecular consequence: missense variant. On other transcripts: intron variant (2).
Genome position (GRCh38, 1-based): chr11:108,327,753, G>C. VCF-style: chr11-108327753-G-C. GRCh37 (hg19) VCF-style: chr11-108198480-G-C.
Other names: c.7084G>C, p.Glu2362Gln (NM_001351834.2); c.641-18682C>G (NM_001330368.2); c.*38+7467C>G (NM_001351110.2); short protein forms E2362Q.
Identifiers: ClinVar variation 1757056 (VCV001757056.4), dbSNP rs2136379535, ClinGen allele CA382559188.
Genomic context (GRCh38, chr11:108,327,753, plus strand): 5'-GGCAACTGGTTAGCAGAAACGTGCTTAGAAAATCCTGCGGTCATCATGCAGACCTATCTA[G>C]AAAAGGTAAGATTTTTGGAGCAACCCTTAAGATAGTTACTTAGCATGAATATGCTTCATC-3'
Protein context (NP_000042.3, residues 2352-2372): NPAVIMQTYL[Glu2362Gln]KAVEVAGNYD

ClinVar aggregate classification (germline): Uncertain significance. Review status: criteria provided, multiple submitters, no conflicts (2 of 4 stars). 2 submissions from 2 submitters: Uncertain significance (2). Last evaluated 2025-07-13.

Conditions:
Hereditary cancer-predisposing syndrome. Also called: Hereditary neoplastic syndrome; Neoplastic Syndromes, Hereditary; Tumor predisposition; Hereditary Cancer Syndrome. Identifiers: Orphanet 140162, MedGen C0027672, MeSH D009386, MONDO:0015356.
Ataxia-telangiectasia syndrome (AT). Also called: Ataxia telangiectasia (A-T); LOUIS-BAR SYNDROME; Cerebello-oculocutaneous telangiectasia; Immunodeficiency with ataxia telangiectasia; Ataxia-telangiectasia, complementation group D; AT, COMPLEMENTATION GROUP C. Identifiers: Orphanet 100, MedGen C0004135, MONDO:0008840, OMIM 208900.

Allele frequency attached by ClinVar (database versions not stated): gnomAD exomes below 0.00001.
gnomAD v4.1: 1 of 1,612,794 alleles (0.000062%); highest among the groups gnomAD compares: East Asian, 0.0022%; no homozygotes.

Submissions (2):

Ambry Genetics
Classification: Uncertain significance for Hereditary cancer-predisposing syndrome. Last evaluated: 2025-07-13. Review status: criteria provided, single submitter. Criteria: Ambry Variant Classification Scheme 2023. Collection method: clinical testing. Allele origin: germline.
Comment: The p.E2362Q variant (also known as c.7084G>C), located in coding exon 47 of the ATM gene, results from a G to C substitution at nucleotide position 7084. The glutamic acid at codon 2362 is replaced by glutamine, an amino acid with highly similar properties. This variant was also identified in a cohort of 882 Chinese individuals with a personal and/or family history of breast or ovarian cancers who underwent multi-gene panel testing for HBOC risk assessment (Shao D et al. Cancer Sci, 2020 Feb;111:647-657). This amino acid position is highly conserved in available vertebrate species. In addition, the in silico prediction for this alteration is inconclusive. Since supporting evidence is limited at this time, the clinical significance of this alteration remains unclear.

Labcorp Genetics (formerly Invitae), Labcorp
Classification: Uncertain significance for Ataxia-telangiectasia syndrome. Last evaluated: 2025-03-05. Review status: criteria provided, single submitter. Criteria: Invitae Variant Classification Sherloc (09022015). Collection method: clinical testing. Allele origin: germline.
Comment: This sequence change replaces glutamic acid, which is acidic and polar, with glutamine, which is neutral and polar, at codon 2362 of the ATM protein (p.Glu2362Gln). This variant is not present in population databases (gnomAD no frequency). This variant has not been reported in the literature in individuals affected with ATM-related conditions. ClinVar contains an entry for this variant (Variation ID: 1757056). Invitae Evidence Modeling of protein sequence and biophysical properties (such as structural, functional, and spatial information, amino acid conservation, physicochemical variation, residue mobility, and thermodynamic stability) indicates that this missense variant is not expected to disrupt ATM protein function with a negative predictive value of 95%. In summary, the available evidence is currently insufficient to determine the role of this variant in disease. Therefore, it has been classified as a Variant of Uncertain Significance.

Literature cited by the submitters: PubMed 31742824 (cited by Ambry Genetics); PubMed 34350294 (cited by Ambry Genetics).